The following is an entry in ClinVar:

NM_001379403.1(WDR26):c.387C>T (p.Thr129=)

Gene: WDR26 (WD repeat domain 26; minus strand). Cytogenetic location: 1q42.12.
Variant type: single nucleotide variant.
Coding change: c.387C>T on transcript NM_001379403.1 (MANE Select); coding-DNA position 387, C replaced by T.
Protein change: p.Thr129=; no amino-acid change (threonine 129 retained).
Molecular consequence: synonymous variant.
Genome position (GRCh38, 1-based): chr1:224,434,019, G>A on the plus strand (C>T on the coding strand, the complement: WDR26 is on the minus strand). VCF-style: chr1-224434019-G-A. GRCh37 (hg19) VCF-style: chr1-224621721-G-A.
Other names: c.87C>T, p.Thr29= (NM_001115113.3, NM_025160.7).
Identifiers: ClinVar variation 3031057 (VCV003031057.2), dbSNP rs1674513655, ClinGen allele CA423756090.

ClinVar aggregate classification (germline): Likely benign (0 of 4 stars; one submission).

Conditions:
WDR26-related disorder. Also called: WDR26-related condition.

Allele frequency attached by ClinVar (database versions not stated): TOPMed below 0.00001; gnomAD 0.00001.
gnomAD v4.1: 3 of 1,497,312 alleles (0.0002%); highest among the groups gnomAD compares: African/African-American, 0.0014%; no homozygotes.

Submission:

PreventionGenetics, part of Exact Sciences
Classification: Likely benign for WDR26-related condition. Last evaluated: 2021-02-10. Review status: no assertion criteria provided. Collection method: clinical testing. Allele origin: germline.
Comment: This variant is classified as likely benign based on ACMG/AMP sequence variant interpretation guidelines (Richards et al. 2015 PMID: 25741868, with internal and published modifications).